The following is an entry in ClinVar:

NM_000051.4(ATM):c.7998dup (p.Met2667fs)

Genes: ATM (ATM serine/threonine kinase; plus strand), C11orf65 (chromosome 11 open reading frame 65; minus strand). Cytogenetic location: 11q22.3.
Variant type: Duplication.
Coding change: c.7998dup on transcript NM_000051.4 (MANE Select); coding-DNA position 7998, one base duplicated (T; older notation c.7998dupT).
Protein change: p.Met2667fs; shifts the reading frame from methionine 2667.
Molecular consequence: frameshift variant. On other transcripts: intron variant (2).
Genome position (GRCh38, 1-based): chr11:108,333,956, T duplicated. VCF-style (leftmost placement, unchanged base first): chr11-108333955-C-CT. GRCh37 (hg19) VCF-style: chr11-108204682-C-CT.
Other names: c.7998dupT (NM_000051.3); c.7998dup, p.Met2667fs (NM_001351834.2); c.641-24885dup (NM_001330368.2); c.*38+1264dup (NM_001351110.2); short protein forms M2667fs.
Identifiers: ClinVar variation 127453 (VCV000127453.61), dbSNP rs587779869, ClinGen allele CA287005.
Genomic context (GRCh38, chr11:108,333,955, plus strand): 5'-ATATTCCAGCAGACCAGCCAATTACTAAACTTAAGAATTTAGAAGATGTTGTTGTCCCTA[C>CT]TATGGAAATTAAGGTAATTTGCAATTAACTCTTGATTTTTTTTAAACTAAATTTTTTTTA-3'

ClinVar aggregate classification (germline): Pathogenic. Review status: criteria provided, multiple submitters, no conflicts (2 of 4 stars). 7 submissions from 7 submitters: Pathogenic (6). 1 of the submissions does not count toward it. Last evaluated 2025-12-15.

Conditions:
Hereditary cancer-predisposing syndrome. Also called: Neoplastic Syndromes, Hereditary; Hereditary Cancer Syndrome; Tumor predisposition; Hereditary neoplastic syndrome. Identifiers: Orphanet 140162, MedGen C0027672, MeSH D009386, MONDO:0015356.
Familial cancer of breast. Also called: BREAST CANCER, FAMILIAL; hereditary breast carcinoma; Hereditary breast cancer. Identifiers: Orphanet 227535, MedGen C0346153, MONDO:0016419, OMIM 114480. Disease mechanism: loss of function.
Ataxia-telangiectasia syndrome (AT). Also called: Ataxia-telangiectasia, complementation group D; AT, COMPLEMENTATION GROUP C; Ataxia-telangiectasia; ATAXIA-TELANGIECTASIA, COMPLEMENTATION GROUP A; ATAXIA-TELANGIECTASIA, FRESNO VARIANT; Ataxia-telangiectasia, complementation group E. Identifiers: Orphanet 100, MedGen C0004135, MONDO:0008840, OMIM 208900.

Allele frequency attached by ClinVar (database versions not stated): gnomAD exomes below 0.00001.

Submissions (7):

Labcorp Genetics (formerly Invitae), Labcorp
Classification: Pathogenic for Ataxia-telangiectasia syndrome. Last evaluated: 2025-12-15. Review status: criteria provided, single submitter. Criteria: Invitae Variant Classification Sherloc (09022015). Collection method: clinical testing. Allele origin: germline.
Comment: This sequence change creates a premature translational stop signal (p.Met2667Tyrfs*4) in the ATM gene. It is expected to result in an absent or disrupted protein product. Loss-of-function variants in ATM are known to be pathogenic (PMID: 23807571, 25614872). This variant is not present in population databases (gnomAD no frequency). This premature translational stop signal has been observed in individual(s) with breast and gastric cancer (PMID: 26681312). ClinVar contains an entry for this variant (Variation ID: 127453). For these reasons, this variant has been classified as Pathogenic.

Myriad Genetics, Inc.
Classification: Pathogenic for Familial cancer of breast. Last evaluated: 2024-02-01. Review status: criteria provided, single submitter. Criteria: Myriad Autosomal Dominant, Autosomal Recessive and X-Linked Classification Criteria (2023). Collection method: clinical testing. Allele origin: unknown.
Comment: This variant is considered pathogenic. This variant creates a frameshift predicted to result in premature protein truncation.

GeneDx
Classification: Pathogenic. Last evaluated: 2022-09-15. Review status: criteria provided, single submitter. Criteria: GeneDx Variant Classification Process June 2021. Collection method: clinical testing. Allele origin: germline. Affected: yes.
Comment: Frameshift variant predicted to result in protein truncation or nonsense mediated decay in a gene for which loss of function is a known mechanism of disease; Not observed at significant frequency in large population cohorts (gnomAD); Identified in individuals with personal or family history consistent with pathogenic variants in this gene (Susswein et al., 2016; Palmer et al., 2020); This variant is associated with the following publications: (PMID: 28152038, 26681312, 32427313)

Ambry Genetics
Classification: Pathogenic for Hereditary cancer-predisposing syndrome. Last evaluated: 2022-05-09. Review status: criteria provided, single submitter. Criteria: Ambry Variant Classification Scheme 2023. Collection method: clinical testing. Allele origin: germline.
Comment: The c.7998dupT pathogenic mutation, located in coding exon 53 of the ATM gene, results from a duplication of T at nucleotide position 7998, causing a translational frameshift with a predicted alternate stop codon (p.M2667Yfs*4). This variant is considered to be rare based on population cohorts in the Genome Aggregation Database (gnomAD). This alteration is expected to result in loss of function by premature protein truncation or nonsense-mediated mRNA decay. As such, this alteration is interpreted as a disease-causing mutation.

Baylor Genetics
Classification: Pathogenic for Familial cancer of breast. Last evaluated: 2021-01-05. Review status: criteria provided, single submitter. Criteria: ACMG Guidelines, 2015. Collection method: clinical testing. Allele origin: unknown.

Color Diagnostics, LLC DBA Color Health
Classification: Pathogenic for Hereditary cancer-predisposing syndrome. Last evaluated: 2020-05-14. Review status: criteria provided, single submitter. Criteria: ACMG Guidelines, 2015. Collection method: clinical testing. Allele origin: germline.
Comment: This variant inserts 1 nucleotide in exon 54 of the ATM gene, creating a frameshift and premature translation stop signal. This variant is expected to result in an absent or non-functional protein product. To our knowledge, this variant has not been reported in individuals affected with hereditary cancer in the literature. This variant has not been identified in the general population by the Genome Aggregation Database (gnomAD). Loss of ATM function is a known mechanism of disease. Based on the available evidence, this variant is classified as Pathogenic.

Counsyl
Classification: Likely pathogenic for Ataxia-telangiectasia syndrome. Last evaluated: 2015-12-28. Review status: no assertion criteria provided. Collection method: clinical testing. Allele origin: unknown. Not counted in ClinVar's aggregate classification.

Literature cited by the submitters: PubMed 23807571 (cited by Labcorp Genetics (formerly Invitae), Labcorp); PubMed 25614872 (cited by Labcorp Genetics (formerly Invitae), Labcorp); PubMed 26681312 (cited by Labcorp Genetics (formerly Invitae), Labcorp).